The following is an entry in ClinVar:

NM_001323289.2(CDKL5):c.53T>A (p.Val18Asp)

Gene: CDKL5 (cyclin dependent kinase like 5; plus strand). Cytogenetic location: Xp22.13.
Variant type: single nucleotide variant.
Coding change: c.53T>A on transcript NM_001323289.2 (MANE Select); coding-DNA position 53, T replaced by A.
Protein change: p.Val18Asp; replaces valine 18 with aspartic acid.
Molecular consequence: missense variant.
Genome position (GRCh38, 1-based): chrX:18,507,149, T>A. VCF-style: chrX-18507149-T-A. GRCh37 (hg19) VCF-style: chrX-18525269-T-A.
Other names: c.53T>A, p.Val18Asp (NM_001037343.2, NM_003159.3); short protein forms V18D.
Identifiers: ClinVar variation 659752 (VCV000659752.10), dbSNP rs1602230515, ClinGen allele CA412489598.

ClinVar aggregate classification (germline): Pathogenic (1 of 4 stars; one submission).

Conditions:
Angelman syndrome-like. Identifiers: MedGen CN128785.
Developmental and epileptic encephalopathy, 2 (DEE2). Also called: INFANTILE SPASM SYNDROME, X-LINKED 2; CDKL5 deficiency disorder. Identifiers: Orphanet 1934, Orphanet 3451, Orphanet 505652, MedGen C4750718, MONDO:0010396, OMIM 300672.

Submissions (2):

Labcorp Genetics (formerly Invitae), Labcorp
Classification: Pathogenic for Developmental and epileptic encephalopathy, 2; Angelman syndrome-like. Last evaluated: 2025-01-27. Review status: criteria provided, single submitter. Criteria: Invitae Variant Classification Sherloc (09022015). Collection method: clinical testing. Allele origin: germline.
Comment: This sequence change replaces valine, which is neutral and non-polar, with aspartic acid, which is acidic and polar, at codon 18 of the CDKL5 protein (p.Val18Asp). This variant is not present in population databases (gnomAD no frequency). This missense change has been observed in individual(s) with clinical features of CDKL5-related conditions (internal data). In at least one individual the variant was observed to be de novo. ClinVar contains an entry for this variant (Variation ID: 659752). Invitae Evidence Modeling of protein sequence and biophysical properties (such as structural, functional, and spatial information, amino acid conservation, physicochemical variation, residue mobility, and thermodynamic stability) indicates that this missense variant is expected to disrupt CDKL5 protein function with a positive predictive value of 95%. For these reasons, this variant has been classified as Pathogenic.

Dr. Peter K. Rogan Lab, Western University
No classification provided (evidence only). Condition: Nonpapillary renal cell carcinoma. Review status: no classification provided. Collection method: in vitro. Allele origin: not applicable. Functional consequence: retained intron. Not counted in ClinVar's aggregate classification.